The following is an entry in ClinVar:

ClinVar aggregate classification (germline): Pathogenic (1 of 4 stars; one submission).

Conditions:
Epidermolysis bullosa simplex 3, localized or generalized intermediate, with BP230 deficiency (EBS3). Also called: Epidermolysis bullosa simplex, autosomal recessive 2; Epidermolysis bullosa simplex due to BP230 deficiency. Identifiers: Orphanet 412181, MedGen C3809470, MONDO:0014180, OMIM 615425.
Hereditary sensory and autonomic neuropathy type 6. Also called: HSAN VI; Neuropathy, hereditary sensory and autonomic, type VI. Identifiers: Orphanet 314381, MedGen C3539003, MONDO:0013839, OMIM 614653.

gnomAD v4.1: 1 of 1,614,146 alleles (0.000062%); highest among the groups gnomAD compares: Non-Finnish European, 0.000085%; no homozygotes.

Submission:

Labcorp Genetics (formerly Invitae), Labcorp
Classification: Pathogenic for Epidermolysis bullosa simplex 3, localized or generalized intermediate, with BP230 deficiency; Hereditary sensory and autonomic neuropathy type 6. Last evaluated: 2025-10-13. Review status: criteria provided, single submitter. Criteria: Invitae Variant Classification Sherloc (09022015). Collection method: clinical testing. Allele origin: germline.
Comment: This sequence change creates a premature translational stop signal (p.Tyr1958*) in the DST gene. It is expected to result in an absent or disrupted protein product. Loss-of-function variants in DST are known to be pathogenic (PMID: 22522446, 25059916, 30371979). This variant is present in population databases (no rsID available, gnomAD 0.0009%). This variant has not been reported in the literature in individuals affected with DST-related conditions. For these reasons, this variant has been classified as Pathogenic.

Literature cited by the submitters: PubMed 22522446; PubMed 25059916; PubMed 30371979.

NM_001723.7(DST):c.5874C>G (p.Tyr1958Ter)

Gene: DST (dystonin; minus strand). Cytogenetic location: 6p12.1.
Variant type: single nucleotide variant.
Coding change: c.5874C>G on transcript NM_001723.7 (MANE Plus Clinical); coding-DNA position 5874, C replaced by G.
Protein change: p.Tyr1958Ter; replaces tyrosine 1958 with a stop codon.
Molecular consequence: nonsense. On other transcripts: intron variant (10).
Genome position (GRCh38, 1-based): chr6:56,618,160, G>C on the plus strand (C>G on the coding strand, the complement: DST is on the minus strand). VCF-style: chr6-56618160-G-C. GRCh37 (hg19) VCF-style: chr6-56482958-G-C.
Other names: c.4831-3676C>G (NM_001144769.5); c.4930-3676C>G (NM_001374722.1, NM_001374736.1); c.4957-3676C>G (NM_001374734.1); c.4417-3676C>G (NM_001144770.2); c.4297-3676C>G (NM_001374730.1, NM_001386100.1, NM_183380.4 and 1 more transcripts); c.3319-3676C>G (NM_015548.5); short protein forms Y1958*.
Identifiers: ClinVar variation 4782361 (VCV004782361.1).